The following is an entry in ClinVar:

NM_002303.6(LEPR):c.704-8del

Gene: LEPR (leptin receptor; plus strand). Cytogenetic location: 1p31.3.
Variant type: Deletion.
Coding change: c.704-8del on transcript NM_002303.6 (MANE Select); 8 bases into the intron before coding-DNA position 704, one base deleted (T; older notation c.704-8delT).
Molecular consequence: intron variant.
Genome position (GRCh38, 1-based): chr1:65,596,440, T deleted; the last of 8 consecutive T bases (chr1:65,596,433-65,596,440); deleting any one gives the same sequence. VCF-style (leftmost placement, unchanged base first): chr1-65596432-CT-C. GRCh37 (hg19) VCF-style: chr1-66062115-CT-C.
Other names: c.704-8del (NM_001003679.3, NM_001003680.3, NM_001198689.2 and 2 more transcripts).
Identifiers: ClinVar variation 3358455 (VCV003358455.1).

ClinVar aggregate classification (germline): Likely benign (0 of 4 stars; one submission).

Conditions:
LEPR-related disorder. Also called: LEPR-related condition; LEPR-related disorders.

Submission:

PreventionGenetics, part of Exact Sciences
Classification: Likely benign for LEPR-related condition. Last evaluated: 2021-07-20. Review status: no assertion criteria provided. Collection method: clinical testing. Allele origin: germline.
Comment: This variant is classified as likely benign based on ACMG/AMP sequence variant interpretation guidelines (Richards et al. 2015 PMID: 25741868, with internal and published modifications).